The following is an entry in ClinVar:

ClinVar aggregate classification (germline): Uncertain significance (1 of 4 stars; one submission).

Conditions:
Combined immunodeficiency due to MALT1 deficiency. Also called: Immunodeficiency 12. Identifiers: Orphanet 397964, MedGen C3809583, MONDO:0014197, OMIM 615468.

Allele frequency attached by ClinVar (database versions not stated): TOPMed 0.00003; gnomAD 0.00001.
gnomAD v4.1: 4 of 1,614,044 alleles (0.00025%); highest among the groups gnomAD compares: African/African-American, 0.004%; no homozygotes.

Submission:

Labcorp Genetics (formerly Invitae), Labcorp
Classification: Uncertain significance for Combined immunodeficiency due to MALT1 deficiency. Last evaluated: 2019-06-26. Review status: criteria provided, single submitter. Criteria: Invitae Variant Classification Sherloc (09022015). Collection method: clinical testing. Allele origin: germline.
Comment: This sequence change replaces aspartic acid with valine at codon 784 of the MALT1 protein (p.Asp784Val). The aspartic acid residue is weakly conserved and there is a large physicochemical difference between aspartic acid and valine. This variant is not present in population databases (ExAC no frequency). This variant has not been reported in the literature in individuals with MALT1-related disease. Algorithms developed to predict the effect of missense changes on protein structure and function (SIFT, PolyPhen-2, Align-GVGD) all suggest that this variant is likely to be tolerated, but these predictions have not been confirmed by published functional studies and their clinical significance is uncertain. In summary, the available evidence is currently insufficient to determine the role of this variant in disease. Therefore, it has been classified as a Variant of Uncertain Significance.

NM_006785.4(MALT1):c.2351A>T (p.Asp784Val)

Gene: MALT1 (MALT1 paracaspase; plus strand). Cytogenetic location: 18q21.32.
Variant type: single nucleotide variant.
Coding change: c.2351A>T on transcript NM_006785.4 (MANE Select); coding-DNA position 2351, A replaced by T.
Protein change: p.Asp784Val; replaces aspartic acid 784 with valine.
Molecular consequence: missense variant.
Genome position (GRCh38, 1-based): chr18:58,747,718, A>T. VCF-style: chr18-58747718-A-T. GRCh37 (hg19) VCF-style: chr18-56414950-A-T.
Other names: c.2351A>T, p.Asp784Val (LRG_1221t1); c.2318A>T, p.Asp773Val (NM_173844.3); short protein forms D784V, D773V.
Identifiers: ClinVar variation 541509 (VCV000541509.10), dbSNP rs904452707, ClinGen allele CA300945717.